The following is an entry in ClinVar:

ClinVar aggregate classification (germline): Pathogenic. Review status: criteria provided, multiple submitters, no conflicts (2 of 4 stars). 4 submissions from 4 submitters: Pathogenic (4). Last evaluated 2023-07-08.

Conditions:
Neurofibromatosis, type 1 (NF1). Also called: Peripheral type neurofibromatosis; VON RECKLINGHAUSEN DISEASE; Neurofibromatosis, type I; NEUROFIBROMATOSIS, TYPE I, SOMATIC. Identifiers: Orphanet 636, MedGen C0027831, MONDO:0018975, OMIM 162200. Disease mechanism: loss of function.
Hereditary cancer-predisposing syndrome. Also called: Tumor predisposition; Hereditary neoplastic syndrome; Neoplastic Syndromes, Hereditary; Hereditary Cancer Syndrome. Identifiers: Orphanet 140162, MedGen C0027672, MeSH D009386, MONDO:0015356.
Cardiovascular phenotype. Identifiers: MedGen CN230736.

Submissions (4):

Labcorp Genetics (formerly Invitae), Labcorp
Classification: Pathogenic for Neurofibromatosis, type 1. Last evaluated: 2023-07-08. Review status: criteria provided, single submitter. Criteria: Invitae Variant Classification Sherloc (09022015). Collection method: clinical testing. Allele origin: germline.
Comment: This premature translational stop signal has been observed in individual(s) with neurofibromatosis type 1 (PMID: 7655472). It has also been observed to segregate with disease in related individuals. This variant is not present in population databases (gnomAD no frequency). This sequence change creates a premature translational stop signal (p.Gln1017*) in the NF1 gene. It is expected to result in an absent or disrupted protein product. Loss-of-function variants in NF1 are known to be pathogenic (PMID: 10712197, 23913538). ClinVar contains an entry for this variant (Variation ID: 935938). For these reasons, this variant has been classified as Pathogenic.

Ambry Genetics
Classification: Pathogenic for Cardiovascular phenotype; Hereditary cancer-predisposing syndrome. Last evaluated: 2022-07-15. Review status: criteria provided, single submitter. Criteria: Ambry Variant Classification Scheme 2023. Collection method: clinical testing. Allele origin: germline.
Comment: The p.Q1017* pathogenic mutation (also known as c.3049C>T), located in coding exon 23 of the NF1 gene, results from a C to T substitution at nucleotide position 3049. This changes the amino acid from a glutamine to a stop codon within coding exon 23. This alteration was found to segregate with neurofibromatosis type 1 in one family (Heim RA et al. Hum Mol Genet, 1995 Jun;4:975-81). This variant is considered to be rare based on population cohorts in the Genome Aggregation Database (gnomAD). This alteration is expected to result in loss of function by premature protein truncation or nonsense-mediated mRNA decay. As such, this alteration is interpreted as a disease-causing mutation.

Genome-Nilou Lab
Classification: Pathogenic for Neurofibromatosis, type 1. Last evaluated: 2022-03-15. Review status: criteria provided, single submitter. Criteria: ACMG Guidelines, 2015. Collection method: clinical testing. Allele origin: germline. Affected: no.

Department of Molecular Diagnostics, Institute of Oncology Ljubljana
Classification: Pathogenic for Neurofibromatosis, type 1. Last evaluated: 2020-04-02. Review status: criteria provided, single submitter. Criteria: ACMG Guidelines, 2015. Collection method: clinical testing. Allele origin: germline. Affected: yes.

Literature cited by the submitters: PubMed 7655472 (cited by Labcorp Genetics (formerly Invitae), Labcorp); PubMed 10712197 (cited by Labcorp Genetics (formerly Invitae), Labcorp); PubMed 23913538 (cited by Labcorp Genetics (formerly Invitae), Labcorp).

NM_001042492.3(NF1):c.3049C>T (p.Gln1017Ter)

Gene: NF1 (neurofibromin 1; plus strand). Cytogenetic location: 17q11.2.
Variant type: single nucleotide variant.
Coding change: c.3049C>T on transcript NM_001042492.3 (MANE Select); coding-DNA position 3049, C replaced by T.
Protein change: p.Gln1017Ter; replaces glutamine 1017 with a stop codon.
Molecular consequence: nonsense.
Genome position (GRCh38, 1-based): chr17:31,230,318, C>T. VCF-style: chr17-31230318-C-T. GRCh37 (hg19) VCF-style: chr17-29557336-C-T.
Other names: c.3049C>T, p.Gln1017Ter (NM_000267.4); short protein forms Q1017*.
Identifiers: ClinVar variation 935938 (VCV000935938.11), dbSNP rs2067091604, ClinGen allele CA398987378.
Genomic context (GRCh38, chr17:31,230,318, plus strand): 5'-AGGTATGTTCGTGTGCTTGGGAATATGGTCCATGCAATTCAAATAAAAACGAAACTGTGT[C>T]AATTAGTTGAAGTAATGATGGCAAGGAGAGATGACCTCTCATTTTGCCAAGAGATGAAAT-3'